The following is an entry in ClinVar:

ClinVar aggregate classification (germline): Uncertain significance (1 of 4 stars; one submission).

Conditions:
Oligosynaptic infertility (SPGF1). Also called: SPERMATOGENIC FAILURE 1; OLIGOCHIASMATIC INFERTILITY. Identifiers: MedGen C0403810, MONDO:0009776, OMIM 258150.
46 XY differences of sex development. Also called: 46, XY disorder of sex development (DSD); 46,XY disorder of sex development. Identifiers: Orphanet 98085, MedGen C2751824, MONDO:0020040.

Submission:

Labcorp Genetics (formerly Invitae), Labcorp
Classification: Uncertain significance for 46 XY differences of sex development; Oligosynaptic infertility. Last evaluated: 2024-08-23. Review status: criteria provided, single submitter. Criteria: Invitae Variant Classification Sherloc (09022015). Collection method: clinical testing. Allele origin: germline.
Comment: This sequence change replaces proline, which is neutral and non-polar, with arginine, which is basic and polar, at codon 205 of the NR5A1 protein (p.Pro205Arg). This variant is not present in population databases (gnomAD no frequency). This variant has not been reported in the literature in individuals affected with NR5A1-related conditions. Invitae Evidence Modeling of protein sequence and biophysical properties (such as structural, functional, and spatial information, amino acid conservation, physicochemical variation, residue mobility, and thermodynamic stability) indicates that this missense variant is not expected to disrupt NR5A1 protein function with a negative predictive value of 80%. In summary, the available evidence is currently insufficient to determine the role of this variant in disease. Therefore, it has been classified as a Variant of Uncertain Significance.

NM_004959.5(NR5A1):c.614C>G (p.Pro205Arg)

Gene: NR5A1 (nuclear receptor subfamily 5 group A member 1; minus strand). Cytogenetic location: 9q33.3.
Variant type: single nucleotide variant.
Coding change: c.614C>G on transcript NM_004959.5 (MANE Select); coding-DNA position 614, C replaced by G.
Protein change: p.Pro205Arg; replaces proline 205 with arginine.
Molecular consequence: missense variant.
Genome position (GRCh38, 1-based): chr9:124,500,346, G>C on the plus strand (C>G on the coding strand, the complement: NR5A1 is on the minus strand). VCF-style: chr9-124500346-G-C. GRCh37 (hg19) VCF-style: chr9-127262625-G-C.
Other names: short protein forms P205R.
Identifiers: ClinVar variation 3749405 (VCV003749405.2).